The following is an entry in ClinVar:

ClinVar aggregate classification (germline): Pathogenic (1 of 4 stars; one submission).

Conditions:
Ehlers-Danlos syndrome, classic type, 1 (EDSCL1). Also called: Ehlers-Danlos syndrome, type 1; Ehlers-Danlos Syndrome, Classic Type, COL5A1-Related; EDS I; EHLERS-DANLOS SYNDROME, GRAVIS TYPE; EHLERS-DANLOS SYNDROME, SEVERE CLASSIC TYPE. Identifiers: MedGen C0268335, MONDO:0019567, OMIM 130000.

Submission:

Labcorp Genetics (formerly Invitae), Labcorp
Classification: Pathogenic for Ehlers-Danlos syndrome, classic type, 1. Last evaluated: 2019-01-12. Review status: criteria provided, single submitter. Criteria: Invitae Variant Classification Sherloc (09022015). Collection method: clinical testing. Allele origin: germline.
Comment: This sequence change creates a premature translational stop signal (p.Gln547*) in the COL5A1 gene. It is expected to result in an absent or disrupted protein product. This variant is not present in population databases (ExAC no frequency). This variant has not been reported in the literature in individuals with COL5A1-related conditions. Loss-of-function variants in COL5A1 are known to be pathogenic (PMID: 23587214). For these reasons, this variant has been classified as Pathogenic.

Literature cited by the submitters: PubMed 23587214.

NM_000093.5(COL5A1):c.1639C>T (p.Gln547Ter)

Gene: COL5A1 (collagen type V alpha 1 chain; plus strand). Cytogenetic location: 9q34.3.
Variant type: single nucleotide variant.
Coding change: c.1639C>T on transcript NM_000093.5 (MANE Select); coding-DNA position 1639, C replaced by T.
Protein change: p.Gln547Ter; replaces glutamine 547 with a stop codon.
Molecular consequence: nonsense.
Genome position (GRCh38, 1-based): chr9:134,750,859, C>T. VCF-style: chr9-134750859-C-T. GRCh37 (hg19) VCF-style: chr9-137642705-C-T.
Other names: c.1639C>T, p.Gln547Ter (NM_001278074.1); short protein forms Q547*.
Identifiers: ClinVar variation 840700 (VCV000840700.4), dbSNP rs201625736, ClinGen allele CA375444101.